The following is an entry in ClinVar:

ClinVar aggregate classification (germline): Uncertain significance (1 of 4 stars; one submission).

gnomAD v4.1: 13 of 1,613,864 alleles (0.00081%); highest among the groups gnomAD compares: Non-Finnish European, 0.0011%; no homozygotes.

Submission:

Labcorp Genetics (formerly Invitae), Labcorp
Classification: Uncertain significance. Last evaluated: 2026-01-26. Review status: criteria provided, single submitter. Criteria: Invitae Variant Classification Sherloc (09022015). Collection method: clinical testing. Allele origin: germline.
Comment: This sequence change replaces proline, which is neutral and non-polar, with leucine, which is neutral and non-polar, at codon 383 of the GDF5 protein (p.Pro383Leu). This variant is present in population databases (rs149633982, gnomAD 0.005%). This variant has not been reported in the literature in individuals affected with GDF5-related conditions. ClinVar contains an entry for this variant (Variation ID: 3604882). Invitae Evidence Modeling of protein sequence and biophysical properties (such as structural, functional, and spatial information, amino acid conservation, physicochemical variation, residue mobility, and thermodynamic stability) indicates that this missense variant is not expected to disrupt GDF5 protein function with a negative predictive value of 80%. In summary, the available evidence is currently insufficient to determine the role of this variant in disease. Therefore, it has been classified as a Variant of Uncertain Significance.

NM_000557.5(GDF5):c.1148C>T (p.Pro383Leu)

Genes: GDF5 (growth differentiation factor 5; minus strand), GDF5-AS1 (GDF5 antisense RNA 1; plus strand). Cytogenetic location: 20q11.22.
Variant type: single nucleotide variant.
Coding change: c.1148C>T on transcript NM_000557.5 (MANE Select); coding-DNA position 1148, C replaced by T.
Protein change: p.Pro383Leu; replaces proline 383 with leucine.
Molecular consequence: missense variant. On other transcripts: non-coding transcript variant (1).
Genome position (GRCh38, 1-based): chr20:35,434,267, G>A on the plus strand (C>T on the coding strand, the complement: GDF5 is on the minus strand). VCF-style: chr20-35434267-G-A. GRCh37 (hg19) VCF-style: chr20-34022065-G-A.
Other names: c.1148C>T, p.Pro383Leu (NM_001319138.2); short protein forms P383L.
Identifiers: ClinVar variation 3604882 (VCV003604882.2).